The following is an entry in ClinVar:

ClinVar aggregate classification (germline): Uncertain significance. Review status: criteria provided, multiple submitters, no conflicts (2 of 4 stars). 2 submissions from 2 submitters: Uncertain significance (2). Last evaluated 2026-01-17.

Conditions:
Cardiovascular phenotype. Identifiers: MedGen CN230736.
Hypertrophic cardiomyopathy. Also called: HYPERTROPHIC MYOCARDIOPATHY. Identifiers: Orphanet 217569, MedGen C0007194, MeSH D002312, MONDO:0005045, HP:0001639.

gnomAD v4.1: 1 of 1,612,890 alleles (0.000062%); highest among the groups gnomAD compares: Admixed American, 0.0017%; no homozygotes.

Submissions (2):

Ambry Genetics
Classification: Uncertain significance for Cardiovascular phenotype. Last evaluated: 2026-01-17. Review status: criteria provided, single submitter. Criteria: Ambry Variant Classification Scheme 2023. Collection method: clinical testing. Allele origin: germline.
Comment: The p.D676Y variant (also known as c.2026G>T), located in coding exon 21 of the MYBPC3 gene, results from a G to T substitution at nucleotide position 2026. The aspartic acid at codon 676 is replaced by tyrosine, an amino acid with highly dissimilar properties. This amino acid position is conserved. In addition, this alteration is predicted to be deleterious by in silico analysis. Based on the available evidence, the clinical significance of this variant remains unclear.

All of Us Research Program, National Institutes of Health
Classification: Uncertain significance for Hypertrophic cardiomyopathy. Last evaluated: 2024-04-16. Review status: criteria provided, single submitter. Criteria: ACMG Guidelines, 2015. Collection method: clinical testing. Allele origin: germline. Inheritance: Autosomal dominant inheritance. Observed: 1 variant allele, 1 heterozygote.
Comment: This missense variant replaces aspartic acid with tyrosine at codon 676 of the MYBPC3 protein. Computational prediction is inconclusive regarding the impact of this variant on protein structure and function (internally defined REVEL score threshold 0.5 < inconclusive < 0.7, PMID: 27666373). To our knowledge, functional studies have not been reported for this variant. This variant has not been reported in individuals affected with MYBPC3-related disorders in the literature. This variant has not been identified in the general population by the Genome Aggregation Database (gnomAD). The available evidence is insufficient to determine the role of this variant in disease conclusively. Therefore, this variant is classified as a Variant of Uncertain Significance.

This study involves interpretation of variants in research participants for the purpose of population health screening. Participant phenotype was not available at the time of variant classification. Additional details can be found in publication PMID: 35346344, PMCID: PMC8962531

NM_000256.3(MYBPC3):c.2026G>T (p.Asp676Tyr)

Gene: MYBPC3 (myosin binding protein C3; minus strand). Cytogenetic location: 11p11.2.
Variant type: single nucleotide variant.
Coding change: c.2026G>T on transcript NM_000256.3 (MANE Select); coding-DNA position 2026, G replaced by T.
Protein change: p.Asp676Tyr; replaces aspartic acid 676 with tyrosine.
Molecular consequence: missense variant.
Genome position (GRCh38, 1-based): chr11:47,339,692, C>A on the plus strand (G>T on the coding strand, the complement: MYBPC3 is on the minus strand). VCF-style: chr11-47339692-C-A. GRCh37 (hg19) VCF-style: chr11-47361243-C-A.
Other names: short protein forms D676Y.
Identifiers: ClinVar variation 3387125 (VCV003387125.2).